The following is an entry in ClinVar:

NM_001379210.1(SLC25A26):c.818G>C (p.Ser273Thr)

Gene: SLC25A26 (solute carrier family 25 member 26; plus strand). Cytogenetic location: 3p14.1.
Variant type: single nucleotide variant.
Coding change: c.818G>C on transcript NM_001379210.1 (MANE Select); coding-DNA position 818, G replaced by C.
Protein change: p.Ser273Thr; replaces serine 273 with threonine.
Molecular consequence: missense variant. On other transcripts: non-coding transcript variant (1).
Genome position (GRCh38, 1-based): chr3:66,377,800, G>C. VCF-style: chr3-66377800-G-C. GRCh37 (hg19) VCF-style: chr3-66428224-G-C.
Other names: c.554G>C, p.Ser185Thr (NM_001164796.1, NM_001350993.1); c.818G>C, p.Ser273Thr (NM_173471.4); short protein forms S185T, S273T.
Identifiers: ClinVar variation 1446284 (VCV001446284.7), dbSNP rs748253771, ClinGen allele CA2483915.
Genomic context (GRCh38, chr3:66,377,800, plus strand): 5'-TCATCTTTCTGGGGGCTTATGACCGAACGCACAGCTTGCTGTTGGAAGTTGGCAGAAAGA[G>C]TCCTTGAAGCAGAGACAAGCCTCACCTCCACTTCTGTCAAGAGAGGGGCCTGCAGTGCAA-3'
Protein context (NP_001366139.1, residues 263-274): HSLLLEVGRK[Ser273Thr]P

ClinVar aggregate classification (germline): Uncertain significance (1 of 4 stars; one submission).

Allele frequency attached by ClinVar (database versions not stated): ExAC 0.00002; gnomAD 0.00002; gnomAD exomes 0.00002 and 0.00004; TOPMed 0.00002.
gnomAD v4.1: 67 of 1,613,222 alleles (0.0042%); highest among the groups gnomAD compares: Non-Finnish European, 0.005%; no homozygotes.

Submission:

Labcorp Genetics (formerly Invitae), Labcorp
Classification: Uncertain significance. Last evaluated: 2022-08-16. Review status: criteria provided, single submitter. Criteria: Invitae Variant Classification Sherloc (09022015). Collection method: clinical testing. Allele origin: germline.
Comment: ClinVar contains an entry for this variant (Variation ID: 1446284). In summary, the available evidence is currently insufficient to determine the role of this variant in disease. Therefore, it has been classified as a Variant of Uncertain Significance. Algorithms developed to predict the effect of missense changes on protein structure and function output the following: SIFT: "Tolerated"; PolyPhen-2: "Benign"; Align-GVGD: "Class C0". The threonine amino acid residue is found in multiple mammalian species, which suggests that this missense change does not adversely affect protein function. This variant has not been reported in the literature in individuals affected with SLC25A26-related conditions. This variant is present in population databases (rs748253771, gnomAD 0.005%). This sequence change replaces serine, which is neutral and polar, with threonine, which is neutral and polar, at codon 185 of the SLC25A26 protein (p.Ser185Thr).